The following is an entry in ClinVar:

ClinVar aggregate classification (germline): Uncertain significance (1 of 4 stars; one submission).

Conditions:
Long QT syndrome (LQTS). Identifiers: MedGen C0023976, MeSH D008133, MONDO:0002442. Disease mechanism: loss of function. Inheritance: Various modes of inheritance.

gnomAD v4.1: 1 of 1,474,280 alleles (0.000068%); no homozygotes.

Submission:

Labcorp Genetics (formerly Invitae), Labcorp
Classification: Uncertain significance for Long QT syndrome. Last evaluated: 2025-03-17. Review status: criteria provided, single submitter. Criteria: Invitae Variant Classification Sherloc (09022015). Collection method: clinical testing. Allele origin: germline.
Comment: This sequence change replaces glycine, which is neutral and non-polar, with arginine, which is basic and polar, at codon 226 of the KCNH2 protein (p.Gly226Arg). This variant is not present in population databases (gnomAD no frequency). This variant has not been reported in the literature in individuals affected with KCNH2-related conditions. An algorithm developed to predict the effect of missense changes on protein structure and function outputs the following: PolyPhen-2: "Benign". The arginine amino acid residue is found in multiple mammalian species, which suggests that this missense change does not adversely affect protein function. In summary, the available evidence is currently insufficient to determine the role of this variant in disease. Therefore, it has been classified as a Variant of Uncertain Significance.

NM_000238.4(KCNH2):c.676G>A (p.Gly226Arg)

Gene: KCNH2 (potassium voltage-gated channel subfamily H member 2; minus strand). Cytogenetic location: 7q36.1.
Variant type: single nucleotide variant.
Coding change: c.676G>A on transcript NM_000238.4 (MANE Select); coding-DNA position 676, G replaced by A.
Protein change: p.Gly226Arg; replaces glycine 226 with arginine.
Molecular consequence: missense variant. On other transcripts: non-coding transcript variant (1).
Genome position (GRCh38, 1-based): chr7:150,958,299, C>T on the plus strand (G>A on the coding strand, the complement: KCNH2 is on the minus strand). VCF-style: chr7-150958299-C-T. GRCh37 (hg19) VCF-style: chr7-150655387-C-T.
Other names: c.388G>A, p.Gly130Arg (NM_001406753.1, NM_001406756.1); c.499G>A, p.Gly167Arg (NM_001406755.1); c.376G>A, p.Gly126Arg (NM_001406757.1); c.676G>A, p.Gly226Arg (NM_172056.3); short protein forms G126R, G130R, G167R, G226R.
Identifiers: ClinVar variation 3612314 (VCV003612314.2).
Genomic context (GRCh38, chr7:150,958,299, plus strand): 5'-CGGGCGCGCTGCGGGGCGGAGAGCCGGGACCCACCAGCGCACGCCGCTCCTCCGCGGGCC[C>T]GAGCCCTGCCACGTGGTTGTCCATGGCTGTCACTTCGTCCAGGGCCAGCGACTCGCTGCT-3'
Protein context (NP_000229.1, residues 216-236): TAMDNHVAGL[Gly226Arg]PAEERRALVG